The following is an entry in ClinVar:

NM_024747.6(HPS6):c.30C>G (p.Leu10=)

Genes: HPS6 (HPS6 biogenesis of lysosomal organelles complex 2 subunit 3; plus strand), LOC130004578 (ATAC-STARR-seq lymphoblastoid silent region 2738; plus strand). Cytogenetic location: 10q24.32.
Variant type: single nucleotide variant.
Coding change: c.30C>G on transcript NM_024747.6 (MANE Select); coding-DNA position 30, C replaced by G.
Protein change: p.Leu10=; no amino-acid change (leucine 10 retained).
Molecular consequence: synonymous variant.
Genome position (GRCh38, 1-based): chr10:102,065,504, C>G. VCF-style: chr10-102065504-C-G. GRCh37 (hg19) VCF-style: chr10-103825261-C-G.
Identifiers: ClinVar variation 1898652 (VCV001898652.7), dbSNP rs778452895, ClinGen allele CA5659720.

ClinVar aggregate classification (germline): Likely benign. Review status: criteria provided, single submitter (1 of 4 stars). 2 submissions from 2 submitters: Likely benign (1). 1 of the submissions does not count toward it. Last evaluated 2025-01-29.

Conditions:
HPS6-related disorder. Also called: HPS6-related condition.

Allele frequency attached by ClinVar (database versions not stated): TOPMed 0.00004; ExAC 0.00012.

Submissions (2):

Labcorp Genetics (formerly Invitae), Labcorp
Classification: Likely benign. Last evaluated: 2025-01-29. Review status: criteria provided, single submitter. Criteria: Invitae Variant Classification Sherloc (09022015). Collection method: clinical testing. Allele origin: germline.

PreventionGenetics, part of Exact Sciences
Classification: Likely benign for HPS6-related condition. Last evaluated: 2021-08-13. Review status: no assertion criteria provided. Collection method: clinical testing. Allele origin: germline. Not counted in ClinVar's aggregate classification.
Comment: This variant is classified as likely benign based on ACMG/AMP sequence variant interpretation guidelines (Richards et al. 2015 PMID: 25741868, with internal and published modifications).